The following is an entry in ClinVar:

ClinVar aggregate classification (germline): Uncertain significance (1 of 4 stars; one submission).

Conditions:
Primary ciliary dyskinesia. Also called: Ciliary dyskinesia. Identifiers: Orphanet 244, MedGen C0008780, MONDO:0016575, HP:0012265.

Submission:

Labcorp Genetics (formerly Invitae), Labcorp
Classification: Uncertain significance for Primary ciliary dyskinesia. Last evaluated: 2022-01-04. Review status: criteria provided, single submitter. Criteria: Invitae Variant Classification Sherloc (09022015). Collection method: clinical testing. Allele origin: germline.
Comment: This sequence change replaces alanine, which is neutral and non-polar, with aspartic acid, which is acidic and polar, at codon 78 of the DNAAF3 protein (p.Ala78Asp). This variant is not present in population databases (gnomAD no frequency). This variant has not been reported in the literature in individuals affected with DNAAF3-related conditions. Algorithms developed to predict the effect of missense changes on protein structure and function (SIFT, PolyPhen-2, Align-GVGD) all suggest that this variant is likely to be tolerated. In summary, the available evidence is currently insufficient to determine the role of this variant in disease. Therefore, it has been classified as a Variant of Uncertain Significance.

NM_001256715.2(DNAAF3):c.86-57C>A

Genes: DNAAF3 (dynein axonemal assembly factor 3; minus strand), DNAAF3-AS1 (DNAAF3 antisense RNA 1; plus strand). Cytogenetic location: 19q13.42.
Variant type: single nucleotide variant.
Coding change: c.86-57C>A on transcript NM_001256715.2 (MANE Select); 57 bases into the intron before coding-DNA position 86, C replaced by A.
Molecular consequence: intron variant. On other transcripts: missense variant (1).
Genome position (GRCh38, 1-based): chr19:55,166,057, G>T on the plus strand (C>A on the coding strand, the complement: DNAAF3 is on the minus strand). VCF-style: chr19-55166057-G-T. GRCh37 (hg19) VCF-style: chr19-55677425-G-T.
Other names: c.233C>A, p.Ala78Asp (NM_001256714.1); c.227-57C>A (NM_178837.4); c.-153-57C>A (NM_001256716.2); short protein forms A78D.
Identifiers: ClinVar variation 2074719 (VCV002074719.1), dbSNP rs2515545929, ClinGen allele CA407462190.